The following is an entry in ClinVar:

ClinVar aggregate classification (germline): Uncertain significance (1 of 4 stars; one submission).

Conditions:
Neuropathy, hereditary sensory and autonomic, type 1C. Also called: HSAN IC; HSN IC. Identifiers: Orphanet 36386, MedGen C3150896, MONDO:0013337, OMIM 613640.

Submission:

Labcorp Genetics (formerly Invitae), Labcorp
Classification: Uncertain significance for Neuropathy, hereditary sensory and autonomic, type 1C. Last evaluated: 2023-11-01. Review status: criteria provided, single submitter. Criteria: Invitae Variant Classification Sherloc (09022015). Collection method: clinical testing. Allele origin: germline.
Comment: This sequence change replaces tyrosine, which is neutral and polar, with asparagine, which is neutral and polar, at codon 75 of the SPTLC2 protein (p.Tyr75Asn). Information on the frequency of this variant in the gnomAD database is not available, as this variant may be reported differently in the database. This variant has not been reported in the literature in individuals affected with SPTLC2-related conditions. Experimental studies and prediction algorithms are not available or were not evaluated, and the functional significance of this variant is currently unknown. In summary, the available evidence is currently insufficient to determine the role of this variant in disease. Therefore, it has been classified as a Variant of Uncertain Significance.

NM_004863.4(SPTLC2):c.222_223delinsTA (p.Tyr75Asn)

Gene: SPTLC2 (serine palmitoyltransferase long chain base subunit 2; minus strand). Cytogenetic location: 14q24.3.
Variant type: Indel.
Coding change: c.222_223delinsTA on transcript NM_004863.4 (MANE Select); coding-DNA positions 222 to 223, GT replaced by TA.
Protein change: p.Tyr75Asn; replaces tyrosine 75 with asparagine.
Molecular consequence: missense variant.
Genome position (GRCh38, 1-based): chr14:77,597,290-77,597,291, AC replaced by TA on the plus strand (GT replaced by TA on the coding strand, the reverse complement: SPTLC2 is on the minus strand). VCF-style: chr14-77597290-AC-TA. GRCh37 (hg19) VCF-style: chr14-78063633-AC-TA.
Other names: short protein forms Y75N.
Identifiers: ClinVar variation 2773116 (VCV002773116.3), dbSNP rs2503542276, ClinGen allele CA2697554082.